The following is an entry in ClinVar:

ClinVar aggregate classification (germline): Uncertain significance. Review status: criteria provided, multiple submitters, no conflicts (2 of 4 stars). 2 submissions from 2 submitters: Uncertain significance (2). Last evaluated 2025-04-13.

Conditions:
Inborn genetic diseases. Identifiers: MedGen C0950123, MeSH D030342.

Allele frequency attached by ClinVar (database versions not stated): gnomAD exomes below 0.00001; TOPMed 0.00002; gnomAD 0.00001.
gnomAD v4.1: 8 of 1,612,430 alleles (0.0005%); highest among the groups gnomAD compares: Admixed American, 0.0067%; no homozygotes.

Submissions (2):

Ambry Genetics
Classification: Uncertain significance for Inborn genetic diseases. Last evaluated: 2025-04-13. Review status: criteria provided, single submitter. Criteria: Ambry Variant Classification Scheme 2023. Collection method: clinical testing. Allele origin: germline.

Labcorp Genetics (formerly Invitae), Labcorp
Classification: Uncertain significance. Last evaluated: 2023-10-24. Review status: criteria provided, single submitter. Criteria: Invitae Variant Classification Sherloc (09022015). Collection method: clinical testing. Allele origin: germline.
Comment: This sequence change replaces proline, which is neutral and non-polar, with leucine, which is neutral and non-polar, at codon 1217 of the COL17A1 protein (p.Pro1217Leu). This variant is not present in population databases (gnomAD no frequency). This variant has not been reported in the literature in individuals affected with COL17A1-related conditions. Advanced modeling of protein sequence and biophysical properties (such as structural, functional, and spatial information, amino acid conservation, physicochemical variation, residue mobility, and thermodynamic stability) has been performed at Invitae for this missense variant, however the output from this modeling did not meet the statistical confidence thresholds required to predict the impact of this variant on COL17A1 protein function. In summary, the available evidence is currently insufficient to determine the role of this variant in disease. Therefore, it has been classified as a Variant of Uncertain Significance.

NM_000494.4(COL17A1):c.3650C>T (p.Pro1217Leu)

Gene: COL17A1 (collagen type XVII alpha 1 chain; minus strand). Cytogenetic location: 10q25.1.
Variant type: single nucleotide variant.
Coding change: c.3650C>T on transcript NM_000494.4 (MANE Select); coding-DNA position 3650, C replaced by T.
Protein change: p.Pro1217Leu; replaces proline 1217 with leucine.
Molecular consequence: missense variant.
Genome position (GRCh38, 1-based): chr10:104,034,737, G>A on the plus strand (C>T on the coding strand, the complement: COL17A1 is on the minus strand). VCF-style: chr10-104034737-G-A. GRCh37 (hg19) VCF-style: chr10-105794495-G-A.
Other names: c.3650C>T (NM_000494.3); short protein forms P1217L.
Identifiers: ClinVar variation 3014933 (VCV003014933.2), dbSNP rs983628732, ClinGen allele CA212455908.